The following is an entry in ClinVar:

ClinVar aggregate classification (germline): Conflicting classifications of pathogenicity. Review status: criteria provided, conflicting classifications (1 of 4 stars). 2 submissions from 2 submitters: Likely pathogenic (1); Uncertain significance (1). Last evaluated 2024-12-10.

Conditions:
Inborn genetic diseases. Identifiers: MedGen C0950123, MeSH D030342.
Multiple sulfatase deficiency (MSD). Also called: Multiple Sulfatase Deficiency Disease; Mucosulfatidosis; Sulfatidosis, Juvenile, Austin Type. Identifiers: Orphanet 585, MedGen C0268263, MONDO:0010088, OMIM 272200.

Allele frequency attached by ClinVar (database versions not stated): gnomAD exomes below 0.00001.
gnomAD v4.1: 1 of 1,613,906 alleles (0.000062%); highest among the groups gnomAD compares: Non-Finnish European, 0.000085%; no homozygotes.

Submissions (2):

Natera, Inc.
Classification: Likely pathogenic for Multiple sulfatase deficiency. Last evaluated: 2024-12-10. Review status: criteria provided, single submitter. Criteria: Natera Variant Classification Schema (03/2026). Collection method: clinical testing. Allele origin: germline.
Comment: The c.305G>T variant in SUMF1 is a missense variant predicted to cause substitution of glycine to valine at amino acid 102. This variant is rare in the general population with a frequency below the threshold expected for the associated phenotype(s). This variant has been observed in one or more individuals affected with the associated recessive disease, as either homozygous or compound heterozygous with a second variant (PMID: 32749716). Functional studies show that this variant may disrupt protein function (PMID: 32749716). Computational prediction algorithms indicate this variant is likely to affect gene or protein function. Given the available evidence, this variant is classified as Likely Pathogenic.

Ambry Genetics
Classification: Uncertain significance for Inborn genetic diseases. Last evaluated: 2018-04-26. Review status: criteria provided, single submitter. Criteria: Ambry exome assertion method (8-5-2015). Collection method: clinical testing. Allele origin: germline. Affected: yes. Observed: 1 variant allele.

Literature cited by the submitters: PubMed 32749716 (cited by Natera, Inc.).

NM_182760.4(SUMF1):c.305G>T (p.Gly102Val)

Gene: SUMF1 (sulfatase modifying factor 1; minus strand). Cytogenetic location: 3p26.1.
Variant type: single nucleotide variant.
Coding change: c.305G>T on transcript NM_182760.4 (MANE Select); coding-DNA position 305, G replaced by T.
Protein change: p.Gly102Val; replaces glycine 102 with valine.
Molecular consequence: missense variant.
Genome position (GRCh38, 1-based): chr3:4,453,015, C>A on the plus strand (G>T on the coding strand, the complement: SUMF1 is on the minus strand). VCF-style: chr3-4453015-C-A. GRCh37 (hg19) VCF-style: chr3-4494699-C-A.
Other names: c.305G>T, p.Gly102Val (NM_001164674.2, NM_001164675.2); short protein forms G102V.
Identifiers: ClinVar variation 985110 (VCV000985110.5), dbSNP rs1703026667, ClinGen allele CA351793378.